The following is an entry in ClinVar:

ClinVar aggregate classification (germline): Uncertain significance (1 of 4 stars; one submission).

Submission:

Labcorp Genetics (formerly Invitae), Labcorp
Classification: Uncertain significance. Last evaluated: 2022-10-04. Review status: criteria provided, single submitter. Criteria: Invitae Variant Classification Sherloc (09022015). Collection method: clinical testing. Allele origin: germline.
Comment: In summary, the available evidence is currently insufficient to determine the role of this variant in disease. Therefore, it has been classified as a Variant of Uncertain Significance. Algorithms developed to predict the effect of missense changes on protein structure and function (SIFT, PolyPhen-2, Align-GVGD) all suggest that this variant is likely to be tolerated. This variant has not been reported in the literature in individuals affected with SAMD11-related conditions. This variant is not present in population databases (gnomAD no frequency). This sequence change replaces proline, which is neutral and non-polar, with arginine, which is basic and polar, at codon 49 of the SAMD11 protein (p.Pro49Arg).

NM_001385641.1(SAMD11):c.683C>G (p.Pro228Arg)

Gene: SAMD11 (sterile alpha motif domain containing 11; plus strand). Cytogenetic location: 1p36.33.
Variant type: single nucleotide variant.
Coding change: c.683C>G on transcript NM_001385641.1 (MANE Select); coding-DNA position 683, C replaced by G.
Protein change: p.Pro228Arg; replaces proline 228 with arginine.
Molecular consequence: missense variant.
Genome position (GRCh38, 1-based): chr1:930,228, C>G. VCF-style: chr1-930228-C-G. GRCh37 (hg19) VCF-style: chr1-865608-C-G.
Other names: c.683C>G, p.Pro228Arg (NM_001385640.1); c.146C>G, p.Pro49Arg (NM_152486.4); short protein forms P228R, P49R.
Identifiers: ClinVar variation 1715702 (VCV001715702.5), dbSNP rs2522623881, ClinGen allele CA337791648.